The following is an entry in ClinVar:

ClinVar aggregate classification (germline): Uncertain significance. Review status: criteria provided, multiple submitters, no conflicts (2 of 4 stars). 3 submissions from 3 submitters: Uncertain significance (2). 1 of the submissions does not count toward it. Last evaluated 2023-08-08.

Conditions:
Hereditary diffuse gastric adenocarcinoma (HDGC). Also called: DIFFUSE GASTRIC AND LOBULAR BREAST CANCER SYNDROME. Identifiers: Orphanet 26106, MedGen C1708349, MONDO:0007648, OMIM 137215.

Allele frequency attached by ClinVar (database versions not stated): TOPMed 0.00004; 1000 Genomes Project 0.00060; gnomAD 0.00012 and 0.00004; gnomAD exomes 0.00059.

Submissions (3):

Quest Diagnostics Nichols Institute San Juan Capistrano
Classification: Uncertain significance. Last evaluated: 2023-08-08. Review status: criteria provided, single submitter. Criteria: Quest Diagnostics criteria. Collection method: clinical testing. Allele origin: unknown.
Comment: In the published literature, the variant has been reported in individuals with gastric cancer (PMID: 23431106 (2013)), esophageal cancer (PMID: 11996968 (2002)), and colorectal cancer (PMID: 1196968 (2002)), as well as healthy individuals (PMID: 23431106 (2013)). This variant has been reported to reduce CDH1 transcription activity, however no other CDH1 protein functions were assessed in this study (PMID: 11996968 (2002)). The frequency of this variant in the general population, 0.000064 (2/31384 chromosomes), is uninformative in assessment of its pathogenicity. Based on the available information, we are unable to determine the clinical significance of this variant.

Labcorp Genetics (formerly Invitae), Labcorp
Classification: Uncertain significance for Hereditary diffuse gastric adenocarcinoma. Last evaluated: 2020-07-15. Review status: criteria provided, single submitter. Criteria: Invitae Variant Classification Sherloc (09022015). Collection method: clinical testing. Allele origin: germline.
Comment: This variant occurs in a non-coding region of the CDH1 gene. It does not change the encoded amino acid sequence of the CDH1 protein. The frequency data for this variant in the population databases is considered unreliable, as metrics indicate insufficient coverage at this position in the ExAC database. This variant has been observed in individual(s) with esophageal and colorectal carcinoma (PMID: 11996968). ClinVar contains an entry for this variant (Variation ID: 371894). This variant has been reported to have conflicting or insufficient data to determine the effect on CDH1 protein function (PMID: 11996968). In summary, the available evidence is currently insufficient to determine the role of this variant in disease. Therefore, it has been classified as a Variant of Uncertain Significance.

Counsyl
Classification: Likely benign for Hereditary diffuse gastric adenocarcinoma. Last evaluated: 2016-07-25. Review status: no assertion criteria provided. Collection method: clinical testing. Allele origin: unknown. Not counted in ClinVar's aggregate classification.

Literature cited by the submitters: PubMed 11996968 (cited by Quest Diagnostics Nichols Institute San Juan Capistrano and Labcorp Genetics (formerly Invitae), Labcorp); PubMed 23431106 (cited by Quest Diagnostics Nichols Institute San Juan Capistrano).

NM_004360.4(CDH1):c.-288del

Gene: CDH1 (cadherin 1; plus strand). Cytogenetic location: 16q22.1.
Variant type: Deletion.
Coding change: c.-288del on transcript NM_004360.4; 288 bases upstream of the start codon, one base deleted (T; older notation c.-288delT).
Genome position (GRCh38, 1-based): chr16:68,737,128, T deleted. VCF-style (leftmost placement, unchanged base first): chr16-68737127-GT-G. GRCh37 (hg19) VCF-style: chr16-68771030-GT-G.
Identifiers: ClinVar variation 371894 (VCV000371894.7), dbSNP rs5030658, ClinGen allele CA16042153.